The following is an entry in ClinVar:

ClinVar aggregate classification (germline): Uncertain significance. Review status: criteria provided, multiple submitters, no conflicts (2 of 4 stars). 4 submissions from 4 submitters: Uncertain significance (4). Last evaluated 2024-09-15.

Conditions:
Hereditary cancer-predisposing syndrome. Also called: Hereditary neoplastic syndrome; Neoplastic Syndromes, Hereditary; Tumor predisposition; Hereditary Cancer Syndrome. Identifiers: Orphanet 140162, MedGen C0027672, MeSH D009386, MONDO:0015356.
Microcephaly, normal intelligence and immunodeficiency (NBS). Also called: IMMUNODEFICIENCY, MICROCEPHALY, AND CHROMOSOMAL INSTABILITY; SEEMANOVA SYNDROME II; Nijmegen breakage syndrome; Microcephaly with normal intelligence immunodeficiency and lymphoreticular malignancies; Nonsyndromal microcephaly autosomal recessive with normal intelligence; Seemanova syndrome 2. Identifiers: Orphanet 647, MedGen C0398791, MONDO:0009623, OMIM 251260.

Allele frequency attached by ClinVar (database versions not stated): gnomAD exomes below 0.00001.
gnomAD v4.1: 2 of 1,613,622 alleles (0.00012%); highest among the groups gnomAD compares: Non-Finnish European, 0.00017%; no homozygotes.

Submissions (4):

Labcorp Genetics (formerly Invitae), Labcorp
Classification: Uncertain significance for Microcephaly, normal intelligence and immunodeficiency. Last evaluated: 2024-09-15. Review status: criteria provided, single submitter. Criteria: Invitae Variant Classification Sherloc (09022015). Collection method: clinical testing. Allele origin: germline.
Comment: This sequence change replaces threonine, which is neutral and polar, with isoleucine, which is neutral and non-polar, at codon 717 of the NBN protein (p.Thr717Ile). This variant is not present in population databases (gnomAD no frequency). This variant has not been reported in the literature in individuals affected with NBN-related conditions. ClinVar contains an entry for this variant (Variation ID: 461542). An algorithm developed to predict the effect of missense changes on protein structure and function (PolyPhen-2) suggests that this variant is likely to be tolerated. In summary, the available evidence is currently insufficient to determine the role of this variant in disease. Therefore, it has been classified as a Variant of Uncertain Significance.

Ambry Genetics
Classification: Uncertain significance for Hereditary cancer-predisposing syndrome. Last evaluated: 2022-05-10. Review status: criteria provided, single submitter. Criteria: Ambry Variant Classification Scheme 2023. Collection method: clinical testing. Allele origin: germline.
Comment: The p.T717I variant (also known as c.2150C>T), located in coding exon 14 of the NBN gene, results from a C to T substitution at nucleotide position 2150. The threonine at codon 717 is replaced by isoleucine, an amino acid with similar properties. This alteration has been reported in at least one individual who underwent genetic testing for hereditary breast and ovarian cancer (HBOC) syndrome (Cock-Rada AM et al. Fam Cancer, 2018 01;17:23-30). This amino acid position is not well conserved in available vertebrate species. In addition, this alteration is predicted to be tolerated by in silico analysis. Since supporting evidence is limited at this time, the clinical significance of this alteration remains unclear.

Genome-Nilou Lab
Classification: Uncertain significance for Microcephaly, normal intelligence and immunodeficiency. Last evaluated: 2021-11-07. Review status: criteria provided, single submitter. Criteria: ACMG Guidelines, 2015. Collection method: clinical testing. Allele origin: germline. Affected: no.

Mendelics
Classification: Uncertain significance for Microcephaly, normal intelligence and immunodeficiency. Last evaluated: 2018-07-02. Review status: criteria provided, single submitter. Criteria: Mendelics Assertion Criteria 2017. Collection method: clinical testing. Allele origin: unknown.

Literature cited by the submitters: PubMed 28528518 (cited by Ambry Genetics).

NM_002485.5(NBN):c.2150C>T (p.Thr717Ile)

Gene: NBN (nibrin; minus strand). Cytogenetic location: 8q21.3.
Variant type: single nucleotide variant.
Coding change: c.2150C>T on transcript NM_002485.5 (MANE Select); coding-DNA position 2150, C replaced by T.
Protein change: p.Thr717Ile; replaces threonine 717 with isoleucine.
Molecular consequence: missense variant.
Genome position (GRCh38, 1-based): chr8:89,943,287, G>A on the plus strand (C>T on the coding strand, the complement: NBN is on the minus strand). VCF-style: chr8-89943287-G-A. GRCh37 (hg19) VCF-style: chr8-90955515-G-A.
Other names: c.1904C>T, p.Thr635Ile (NM_001024688.3); short protein forms T717I, T635I.
Identifiers: ClinVar variation 461542 (VCV000461542.16), dbSNP rs1554555764, ClinGen allele CA371675415.